The following is an entry in ClinVar:

ClinVar aggregate classification (germline): Uncertain significance (1 of 4 stars; one submission).

Conditions:
Trichorhinophalangeal syndrome, type III (TRPS3). Also called: SUGIO-KAJII SYNDROME. Identifiers: Orphanet 77258, MedGen C1860823, OMIM 190351, MONDO:0008597.
Trichorhinophalangeal dysplasia type I (TRPS1). Also called: TRICHORHINOPHALANGEAL SYNDROME, TYPE I; TRPS I. Identifiers: Orphanet 77258, MedGen C0432233, MONDO:0008596, OMIM 190350.

Allele frequency attached by ClinVar (database versions not stated): gnomAD exomes below 0.00001.
gnomAD v4.1: 1 of 1,612,246 alleles (0.000062%); highest among the groups gnomAD compares: Admixed American, 0.0017%; no homozygotes.

Submission:

Labcorp Genetics (formerly Invitae), Labcorp
Classification: Uncertain significance for Trichorhinophalangeal syndrome, type III; Trichorhinophalangeal dysplasia type I. Last evaluated: 2023-11-07. Review status: criteria provided, single submitter. Criteria: Invitae Variant Classification Sherloc (09022015). Collection method: clinical testing. Allele origin: germline.
Comment: This sequence change replaces arginine, which is basic and polar, with lysine, which is basic and polar, at codon 1007 of the TRPS1 protein (p.Arg1007Lys). This variant is present in population databases (no rsID available, gnomAD 0.003%). This variant has not been reported in the literature in individuals affected with TRPS1-related conditions. Advanced modeling of protein sequence and biophysical properties (such as structural, functional, and spatial information, amino acid conservation, physicochemical variation, residue mobility, and thermodynamic stability) performed at Invitae indicates that this missense variant is not expected to disrupt TRPS1 protein function with a negative predictive value of 80%. In summary, the available evidence is currently insufficient to determine the role of this variant in disease. Therefore, it has been classified as a Variant of Uncertain Significance.

NM_014112.5(TRPS1):c.3020G>A (p.Arg1007Lys)

Gene: TRPS1 (transcriptional repressor GATA binding 1; minus strand). Cytogenetic location: 8q23.3.
Variant type: single nucleotide variant.
Coding change: c.3020G>A on transcript NM_014112.5 (MANE Select); coding-DNA position 3020, G replaced by A.
Protein change: p.Arg1007Lys; replaces arginine 1007 with lysine.
Molecular consequence: missense variant.
Genome position (GRCh38, 1-based): chr8:115,414,888, C>T on the plus strand (G>A on the coding strand, the complement: TRPS1 is on the minus strand). VCF-style: chr8-115414888-C-T. GRCh37 (hg19) VCF-style: chr8-116427116-C-T.
Other names: c.2993G>A, p.Arg998Lys (NM_001282902.3); c.2999G>A, p.Arg1000Lys (NM_001282903.3); c.2981G>A, p.Arg994Lys (NM_001330599.2); short protein forms R1007K, R994K, R1000K, R998K.
Identifiers: ClinVar variation 2953368 (VCV002953368.3), dbSNP rs1351514084, ClinGen allele CA372063698.